The following is an entry in ClinVar:

ClinVar aggregate classification (germline): Uncertain significance (1 of 4 stars; one submission).

Conditions:
Hereditary cancer-predisposing syndrome. Also called: Neoplastic Syndromes, Hereditary; Tumor predisposition; Hereditary Cancer Syndrome; Hereditary neoplastic syndrome. Identifiers: Orphanet 140162, MedGen C0027672, MeSH D009386, MONDO:0015356.

Submission:

Ambry Genetics
Classification: Uncertain significance for Hereditary cancer-predisposing syndrome. Last evaluated: 2019-09-20. Review status: criteria provided, single submitter. Criteria: Ambry Variant Classification Scheme 2023. Collection method: clinical testing. Allele origin: germline.
Comment: The p.Q591P variant (also known as c.1772A>C), located in coding exon 14 of the MRE11A gene, results from an A to C substitution at nucleotide position 1772. The glutamine at codon 591 is replaced by proline, an amino acid with similar properties. This amino acid position is not well conserved in available vertebrate species. In addition, this alteration is predicted to be tolerated by in silico analysis. Since supporting evidence is limited at this time, the clinical significance of this alteration remains unclear.

NM_005591.4(MRE11):c.1772A>C (p.Gln591Pro)

Gene: MRE11 (MRE11 double strand break repair nuclease; minus strand). Cytogenetic location: 11q21.
Variant type: single nucleotide variant.
Coding change: c.1772A>C on transcript NM_005591.4 (MANE Select); coding-DNA position 1772, A replaced by C.
Protein change: p.Gln591Pro; replaces glutamine 591 with proline.
Molecular consequence: missense variant.
Genome position (GRCh38, 1-based): chr11:94,447,230, T>G on the plus strand (A>C on the coding strand, the complement: MRE11 is on the minus strand). VCF-style: chr11-94447230-T-G. GRCh37 (hg19) VCF-style: chr11-94180396-T-G.
Other names: c.1772A>C, p.Gln591Pro (NM_001330347.2, NM_005590.4); short protein forms Q591P.
Identifiers: ClinVar variation 820031 (VCV000820031.4), dbSNP rs1591654842, ClinGen allele CA382368062.